The following is an entry in ClinVar:

ClinVar aggregate classification (germline): Pathogenic. Review status: reviewed by expert panel (3 of 4 stars). 8 submissions from 8 submitters: Pathogenic (1). 7 of the submissions do not count toward it. Last evaluated 2016-09-08.

Conditions:
Hereditary cancer-predisposing syndrome. Also called: Hereditary neoplastic syndrome; Neoplastic Syndromes, Hereditary; Hereditary Cancer Syndrome; Tumor predisposition. Identifiers: Orphanet 140162, MedGen C0027672, MeSH D009386, MONDO:0015356.
Hereditary breast ovarian cancer syndrome. Also called: Breast and ovarian cancer; Hereditary breast and ovarian cancer syndrome; BRCA1- and BRCA2-Associated Hereditary Breast and Ovarian Cancer; Hereditary breast and ovarian cancer syndrome (HBOC); Hereditary breast and/or ovarian cancer syndrome; Hereditary breast and ovarian cancer. Identifiers: Orphanet 145, MedGen C0677776, MeSH D061325, MONDO:0003582. Disease mechanism: loss of function.
Breast-ovarian cancer, familial, susceptibility to, 2 (BROVCA2). Also called: BRCA2 Hereditary Breast and Ovarian Cancer. Identifiers: Orphanet 145, MedGen C2675520, MONDO:0012933, OMIM 612555. Disease mechanism: loss of function.

Submissions (8):

Evidence-based Network for the Interpretation of Germline Mutant Alleles (ENIGMA)
Classification: Pathogenic for Breast-ovarian cancer, familial, susceptibility to, 2. Last evaluated: 2016-09-08. Review status: reviewed by expert panel. Criteria: ENIGMA BRCA1/2 Classification Criteria (2015). Collection method: curation. Allele origin: germline.
Comment: Variant allele predicted to encode a truncated non-functional protein.

GeneDx
Classification: Pathogenic. Last evaluated: 2026-09-22. Review status: criteria provided, single submitter. Criteria: GeneDx Variant Classification Process June 2021. Collection method: clinical testing. Allele origin: germline. Not counted in ClinVar's aggregate classification.
Comment: Frameshift variant predicted to result in protein truncation in a gene for which loss of function is a known mechanism of disease; Truncating variants in this gene are considered pathogenic by a well-established clinical consortium and/or database; Observed in individuals with a personal or family history consistent with pathogenic variants in this gene (PMID: 27084275, 34326862); Not observed at significant frequency in large population cohorts (gnomAD); Also known as 9741_9744del; This variant is associated with the following publications: (PMID: 29555025, 12228710, Acharya2025[Preprint], 34326862, 27084275)

Labcorp Genetics (formerly Invitae), Labcorp
Classification: Pathogenic for Hereditary breast ovarian cancer syndrome. Last evaluated: 2025-12-17. Review status: criteria provided, single submitter. Criteria: Invitae Variant Classification Sherloc (09022015). Collection method: clinical testing. Allele origin: germline. Not counted in ClinVar's aggregate classification.
Comment: This sequence change creates a premature translational stop signal (p.Leu3172Alafs*44) in the BRCA2 gene. While this is not anticipated to result in nonsense mediated decay, it is expected to disrupt the last 247 amino acid(s) of the BRCA2 protein. This variant is not present in population databases (gnomAD no frequency). This premature translational stop signal has been observed in individual(s) with prostate cancer (PMID: 27084275). ClinVar contains an entry for this variant (Variation ID: 52862). This variant disrupts a region of the BRCA2 protein in which other variant(s) (p.Tyr3308*) have been determined to be pathogenic (PMID: 17026620, 22711857). This suggests that this is a clinically significant region of the protein, and that variants that disrupt it are likely to be disease-causing. For these reasons, this variant has been classified as Pathogenic.

Ambry Genetics
Classification: Pathogenic for Hereditary cancer-predisposing syndrome. Last evaluated: 2025-09-07. Review status: criteria provided, single submitter. Criteria: Ambry Variant Classification Scheme 2023. Collection method: clinical testing. Allele origin: germline. Not counted in ClinVar's aggregate classification.
Comment: The c.9513_9516delACTT pathogenic mutation, located in coding exon 25 of the BRCA2 gene, results from a deletion of 4 nucleotides at nucleotide positions 9513 to 9516, causing a translational frameshift with a predicted alternate stop codon (p.L3172Afs*44). This alteration occurs at the 3' terminus of theBRCA2 gene, is not expected to trigger nonsense-mediated mRNA decay, and impacts the last 6% of the protein. However, premature stop codons are typically deleterious in nature and the impacted region is critical for protein function and a significant portion of the protein is affected (Ambry internal data). This pathogenic mutation has been reported in one individual diagnosed with metastatic castrate-resistant prostate cancer (Hart SN et al. BMJ Open. 2016 Apr;6(4):e010332). This variant is considered to be rare based on population cohorts in the Genome Aggregation Database (gnomAD). Based on the supporting evidence, this alteration is interpreted as a disease-causing mutation.

Revvity Omics, Revvity
Classification: Likely pathogenic. Last evaluated: 2022-07-29. Review status: criteria provided, single submitter. Criteria: ACMG Guidelines, 2015. Collection method: clinical testing. Allele origin: germline. Not counted in ClinVar's aggregate classification.

Women's Health and Genetics/Laboratory Corporation of America, LabCorp
Classification: Pathogenic for Hereditary breast ovarian cancer syndrome. Last evaluated: 2022-03-14. Review status: criteria provided, single submitter. Criteria: LabCorp Variant Classification Summary - May 2015. Collection method: clinical testing. Allele origin: germline. Not counted in ClinVar's aggregate classification.
Comment: Variant summary: BRCA2 c.9513_9516delACTT (p.Leu3172AlafsX44) results in a premature termination codon, predicted to cause a truncation of the encoded protein or absence of the protein due to nonsense mediated decay, which are commonly known mechanisms for disease. Truncations downstream of this position have been classified as pathogenic by our laboratory. The variant was absent in 251308 control chromosomes (gnomAD). c.9513_9516delACTT has been reported in the literature in individual(s) affected with metastatic castrate-resistant prostate cancer (Hart_2016). Four ClinVar submitters including an expert panel (ENIGMA) (evaluation after 2014) cite the variant as pathogenic/likely pathogenic. Based on the evidence outlined above, the variant was classified as pathogenic.

Color Diagnostics, LLC DBA Color Health
Classification: Pathogenic for Hereditary cancer-predisposing syndrome. Last evaluated: 2020-01-15. Review status: criteria provided, single submitter. Criteria: ACMG Guidelines, 2015. Collection method: clinical testing. Allele origin: germline. Not counted in ClinVar's aggregate classification.
Comment: This variant deletes 4 nucleotides in exon 26 of the BRCA2 gene, creating a frameshift and premature translation stop signal. This variant is expected to result in an absent or non-functional protein product. This variant has not been identified in the general population by the Genome Aggregation Database (gnomAD). Loss of BRCA2 function is a known mechanism of disease. Based on the available evidence, this variant is classified as Pathogenic.

Breast Cancer Information Core (BIC) (BRCA2)
Classification: Pathogenic for Breast-ovarian cancer, familial 2. Last evaluated: 2002-05-29. Review status: no assertion criteria provided. Collection method: clinical testing. Allele origin: germline. Affected: yes. Observed: 4 variant alleles. Not counted in ClinVar's aggregate classification.

Literature cited by the submitters: PubMed 27084275 (cited by 3 submitters); PubMed 17026620 (cited by Labcorp Genetics (formerly Invitae), Labcorp); PubMed 22711857 (cited by Labcorp Genetics (formerly Invitae), Labcorp).

NM_000059.4(BRCA2):c.9513_9516del (p.Leu3172fs)

Gene: BRCA2 (BRCA2 DNA repair associated; plus strand). Cytogenetic location: 13q13.1.
Variant type: Deletion.
Coding change: c.9513_9516del on transcript NM_000059.4 (MANE Select); coding-DNA positions 9513 to 9516, 4 bases deleted (ACTT; older notation c.9513_9516delACTT).
Protein change: p.Leu3172fs; shifts the reading frame from leucine 3172.
Molecular consequence: frameshift variant.
Genome position (GRCh38, 1-based): chr13:32,396,909-32,396,912, ACTT deleted; deleting any 4 consecutive bases within chr13:32,396,908-32,396,912 gives the same sequence; the c. name uses the placement nearest the transcript's 3' end. VCF-style (leftmost placement, unchanged base first): chr13-32396907-ATACT-A. GRCh37 (hg19) VCF-style: chr13-32971044-ATACT-A.
Other names: 9741del4; c.9513_9516delACTT (NM_000059.3); short protein forms L3172fs.
Identifiers: ClinVar variation 52862 (VCV000052862.24), dbSNP rs80359769, ClinGen allele CA026196.